The following is an entry in ClinVar:

NM_001110556.2(FLNA):c.2981A>G (p.Lys994Arg)

Gene: FLNA (filamin A; minus strand). Cytogenetic location: Xq28.
Variant type: single nucleotide variant.
Coding change: c.2981A>G on transcript NM_001110556.2 (MANE Select); coding-DNA position 2981, A replaced by G.
Protein change: p.Lys994Arg; replaces lysine 994 with arginine.
Molecular consequence: missense variant.
Genome position (GRCh38, 1-based): chrX:154,361,534, T>C on the plus strand (A>G on the coding strand, the complement: FLNA is on the minus strand). VCF-style: chrX-154361534-T-C. GRCh37 (hg19) VCF-style: chrX-153589902-T-C.
Other names: p.Lys994Arg; c.2981A>G, p.Lys994Arg (NM_001456.4); short protein forms K994R.
Identifiers: ClinVar variation 939032 (VCV000939032.13), dbSNP rs3819330, ClinGen allele CA10560790.

ClinVar aggregate classification (germline): Conflicting classifications of pathogenicity. Review status: criteria provided, conflicting classifications (1 of 4 stars). 4 submissions from 4 submitters: Uncertain significance (3); Benign (1). Last evaluated 2026-07-09.

Conditions:
FG syndrome 2 (FGS2). Identifiers: MedGen C1845902, MONDO:0010297, OMIM 300321.
Oto-palato-digital syndrome, type II (OPD2). Also called: FACIOPALATOOSSEOUS SYNDROME; OPD II SYNDROME; Otopalatodigital Syndrome, Type II; Otopalatodigital Syndrome Type 2 (FLNA-OPD2). Identifiers: Orphanet 669, Orphanet 90652, MedGen C1844696, MONDO:0010571, OMIM 304120.
Intestinal pseudoobstruction, neuronal, chronic idiopathic, X-linked (CIIPX). Also called: CONGENITAL IDIOPATHIC INTESTINAL PSEUDOOBSTRUCTION; INTESTINAL PSEUDOOBSTRUCTION, NEURONAL, CHRONIC IDIOPATHIC, WITH CENTRAL NERVOUS SYSTEM INVOLVEMENT; FLNA-Related Periventricular Nodular Heterotopia (FLNA-Related PVNH; Huttenlocher Syndrome). Identifiers: Orphanet 2301, MedGen C2746068, MONDO:0010232, OMIM 300048.
Melnick-Needles syndrome (MNS). Also called: MELNICK-NEEDLES OSTEODYSPLASTY; OSTEODYSPLASTY OF MELNICK AND NEEDLES; Melnick-Needles Syndrome (FLNA-MNS). Identifiers: Orphanet 2484, MedGen C0025237, MONDO:0010650, OMIM 309350.
Cardiac valvular dysplasia, X-linked (CVDPX). Also called: MYXOMATOUS VALVULAR DYSTROPHY, X-LINKED; FLNA-Related X-linked Cardiac Valvular Dysplasia; Isolated X-Linked Cardiac Valvular Dysplasia; VALVULAR HEART DISEASE, CONGENITAL; Congenital valvular dysplasia. Identifiers: Orphanet 1864, Orphanet 555877, Orphanet 75497, MedGen C0262436, MONDO:0010753, OMIM 314400.
Heterotopia, periventricular, X-linked dominant (PVNH1). Also called: PERIVENTRICULAR NODULAR HETEROTOPIA 1; X-linked periventricular heterotopia; PERIVENTRICULAR NODULAR HETEROTOPIA 4; HETEROTOPIA, PERIVENTRICULAR, 1. Identifiers: Orphanet 2149, Orphanet 82004, MedGen C1848213, MONDO:0010233, OMIM 300049.
Oto-palato-digital syndrome, type I (OPD1). Also called: OPD I SYNDROME; OPD SYNDROME 1; Otopalatodigital Syndrome, Type I; Taybi syndrome; Otopalatodigital Syndrome Type 1 (FLNA-OPD1). Identifiers: Orphanet 669, Orphanet 90650, MedGen C0265251, MONDO:0010704, OMIM 311300.
Terminal osseous dysplasia-pigmentary defects syndrome. Also called: ODPF SYNDROME; OSSEOUS DYSPLASIA, DIGITAL, WITH FACIAL PIGMENTARY DEFECTS AND MULTIPLE FRENULA; ODPD; TERMINAL OSSEOUS DYSPLASIA AND PIGMENTARY DEFECTS; Terminal Osseous Dysplasia (FLNA-TOD). Identifiers: Orphanet 88630, MedGen C1846129, MONDO:0010279, OMIM 300244.
Frontometaphyseal dysplasia 1 (FMD1). Also called: Frontometaphyseal Dysplasia (FLNA-FMD). Identifiers: Orphanet 1826, MedGen C4281559, MONDO:0024550, OMIM 305620.
Familial thoracic aortic aneurysm and aortic dissection (TAAD). Also called: Thoracic aortic aneurysms and dissections. Identifiers: Orphanet 91387, MedGen C4707243, MONDO:0019625.
Frontometaphyseal dysplasia (FMD1). Identifiers: Orphanet 1826, MedGen C0265293, MONDO:0015942.

Allele frequency attached by ClinVar (database versions not stated): gnomAD exomes 0.00006 and 0.00003; TOPMed 0.00001; gnomAD 0.00001; ExAC 0.00002.
gnomAD v4.1: 66 of 1,209,576 alleles (0.0055%); highest among the groups gnomAD compares: East Asian, 0.19%; 1 homozygote.

Submissions (4):

Ambry Genetics
Classification: Uncertain significance for Familial thoracic aortic aneurysm and aortic dissection. Last evaluated: 2026-07-09. Review status: criteria provided, single submitter. Criteria: Ambry Variant Classification Scheme 2023. Collection method: clinical testing. Allele origin: germline.
Comment: The p.K994R variant (also known as c.2981A>G), located in coding exon 20 of the FLNA gene, results from an A to G substitution at nucleotide position 2981. The lysine at codon 994 is replaced by arginine, an amino acid with highly similar properties. This amino acid position is conserved. In addition, this alteration is predicted to be tolerated by in silico analysis. Based on the available evidence, the clinical significance of this variant remains unclear.

Labcorp Genetics (formerly Invitae), Labcorp
Classification: Benign for Oto-palato-digital syndrome, type II; Heterotopia, periventricular, X-linked dominant; Frontometaphyseal dysplasia; Melnick-Needles syndrome. Last evaluated: 2025-10-13. Review status: criteria provided, single submitter. Criteria: Invitae Variant Classification Sherloc (09022015). Collection method: clinical testing. Allele origin: germline.

Mayo Clinic Laboratories, Mayo Clinic
Classification: Uncertain significance. Last evaluated: 2025-09-04. Review status: criteria provided, single submitter. Criteria: ACMG Guidelines, 2015. Collection method: clinical testing. Allele origin: germline. Observed: 1 variant allele.
Comment: BS2

Fulgent Genetics
Classification: Uncertain significance for Intestinal pseudoobstruction, neuronal, chronic idiopathic, X-linked; Heterotopia, periventricular, X-linked dominant; Terminal osseous dysplasia-pigmentary defects syndrome; FG syndrome 2; Oto-palato-digital syndrome, type II; Frontometaphyseal dysplasia 1; Melnick-Needles syndrome; Oto-palato-digital syndrome, type I; Cardiac valvular dysplasia, X-linked. Last evaluated: 2022-01-21. Review status: criteria provided, single submitter. Criteria: ACMG Guidelines, 2015. Collection method: clinical testing. Allele origin: unknown.